The following is an entry in ClinVar:

NM_006218.4(PIK3CA):c.2937-3del

Gene: PIK3CA (phosphatidylinositol-4,5-bisphosphate 3-kinase catalytic subunit alpha; plus strand). Cytogenetic location: 3q26.32.
Variant type: Deletion.
Coding change: c.2937-3del on transcript NM_006218.4 (MANE Select); 3 bases into the intron before coding-DNA position 2937, one base deleted (T; older notation c.2937-3delT).
Molecular consequence: intron variant.
Genome position (GRCh38, 1-based): chr3:179,234,091, T deleted. VCF-style (leftmost placement, unchanged base first): chr3-179234090-AT-A. GRCh37 (hg19) VCF-style: chr3-178951878-AT-A.
Identifiers: ClinVar variation 3355162 (VCV003355162.1).
Genomic context (GRCh38, chr3:179,234,090, plus strand): 5'-CAAAGACCTGAAGGTATTAACATCATTTGCTCCAAACTGACCAAACTGTTCTTATTACTT[AT>A]AGGTTTCAGGAGATGTGTTACAAGGCTTATCTAGCTATTCGACAGCATGCCAATCTCTTC-3'

ClinVar aggregate classification (germline): Uncertain significance (0 of 4 stars; one submission).

Conditions:
PIK3CA-related disorder. Also called: PIK3CA- related disease; PIK3CA-related condition; PIK3CA-related disorders.

Submission:

PreventionGenetics, part of Exact Sciences
Classification: Uncertain significance for PIK3CA-related condition. Last evaluated: 2024-09-23. Review status: no assertion criteria provided. Collection method: clinical testing. Allele origin: germline.
Comment: The PIK3CA c.2937-3delT variant is predicted to result in an intronic deletion. To our knowledge, this variant has not been reported in the literature. This variant is reported in 0.014% of alleles in individuals of South Asian descent in gnomAD. At this time, the clinical significance of this variant is uncertain due to the absence of conclusive functional and genetic evidence.